The following is an entry in ClinVar:

NM_000521.4(HEXB):c.299G>A (p.Arg100Gln)

Gene: HEXB (hexosaminidase subunit beta; plus strand). Cytogenetic location: 5q13.3.
Variant type: single nucleotide variant.
Coding change: c.299G>A on transcript NM_000521.4 (MANE Select); coding-DNA position 299, G replaced by A.
Protein change: p.Arg100Gln; replaces arginine 100 with glutamine.
Molecular consequence: missense variant. On other transcripts: intron variant (1).
Genome position (GRCh38, 1-based): chr5:74,685,559, G>A. VCF-style: chr5-74685559-G-A. GRCh37 (hg19) VCF-style: chr5-73981384-G-A.
Other names: c.-376-3769G>A (NM_001292004.2); short protein forms R100Q.
Identifiers: ClinVar variation 1331374 (VCV001331374.1), dbSNP rs1060499701, ClinGen allele CA360062559.

ClinVar aggregate classification (germline): Uncertain significance (1 of 4 stars; one submission).

Submission:

Women's Health and Genetics/Laboratory Corporation of America, LabCorp
Classification: Uncertain significance. Last evaluated: 2021-12-08. Review status: criteria provided, single submitter. Criteria: LabCorp Variant Classification Summary - May 2015. Collection method: clinical testing. Allele origin: germline.
Comment: Variant summary: HEXB c.299G>A (p.Arg100Gln) results in a conservative amino acid change located in the N-terminal domain (IPR029019) of the encoded protein sequence. Four of five in-silico tools predict a damaging effect of the variant on protein function. In addition, this variant is located to the last nucleotide of exon 1, and therefore it could also affect splicing. Several computational tools predict a significant impact on normal splicing: two predict the variant abolishes a 5' splicing donor site, and two predict the variant weakens a 5' donor site. However, these predictions have yet to be confirmed by functional studies. The variant was absent in 191120 control chromosomes (gnomAD). The available data on variant occurrences in the general population are insufficient to allow any conclusion about variant significance. To our knowledge, no occurrence of c.299G>A in individuals affected with Sandhoff Disease and no experimental evidence demonstrating its impact on protein function have been reported. However, a different variant affecting the same nucleotide (c.299G>T (p.Arg100Leu)) is found in an affected individual, and has been reported to affect splicing (PMID 18758829). No clinical diagnostic laboratories have submitted clinical-significance assessments for this variant to ClinVar after 2014. Based on the evidence outlined above, the variant was classified as VUS-possibly pathogenic.